The following is an entry in ClinVar:

NM_001167.4(XIAP):c.*482G>A

Gene: XIAP (X-linked inhibitor of apoptosis; plus strand). Cytogenetic location: Xq25.
Variant type: single nucleotide variant.
Coding change: c.*482G>A on transcript NM_001167.4 (MANE Select); 482 bases downstream of the stop codon, G replaced by A.
Molecular consequence: 3 prime UTR variant. On other transcripts: non-coding transcript variant (2).
Genome position (GRCh38, 1-based): chrX:123,907,663, G>A. VCF-style: chrX-123907663-G-A. GRCh37 (hg19) VCF-style: chrX-123041513-G-A.
Other names: c.*482G>A (NM_001204401.2, NM_001378590.1, NM_001378591.1 and 1 more transcripts).
Identifiers: ClinVar variation 367799 (VCV000367799.5), dbSNP rs144625027, ClinGen allele CA10651646.
Genomic context (GRCh38, chrX:123,907,663, plus strand): 5'-GTGAAAAAGGAATAAATTGTTCCATGCTGGTGGAAAGATAGAGATTGTTTTTAGAGGTTG[G>A]TTGTTGTGTTTTAGGATTCTGTCCATTTTCTTTTAAAGTTATAAACACGTACTTGTGCGA-3'

ClinVar aggregate classification (germline): Benign (1 of 4 stars; one submission).

Conditions:
X-linked lymphoproliferative disease due to XIAP deficiency. Also called: XIAP DEFICIENCY; XIAP-Related Lymphoproliferative Disease, X-Linked. Identifiers: Orphanet 2442, Orphanet 538934, MedGen C1845076, MONDO:0010385, OMIM 300635.

Allele frequency attached by ClinVar (database versions not stated): gnomAD exomes 0.00065; 1000 Genomes Project 0.00238; 1000 Genomes Project 30x 0.00271; gnomAD 0.00279 and 0.00303; TOPMed 0.00343.
gnomAD v4.1: 419 of 372,008 alleles (0.11%); highest among the groups gnomAD compares: African/African-American, 0.92%; 2 homozygotes.

Submission:

Illumina Laboratory Services, Illumina
Classification: Benign for X-linked lymphoproliferative disease due to XIAP deficiency. Last evaluated: 2018-01-12. Review status: criteria provided, single submitter. Criteria: ICSL Variant Classification Criteria 13 December 2019. Collection method: clinical testing. Allele origin: germline.
Comment: This variant was observed in the ICSL laboratory as part of a predisposition screen in an ostensibly healthy population. It had not been previously curated by ICSL or reported in the Human Gene Mutation Database (HGMD: prior to June 1st, 2018), and was therefore a candidate for classification through an automated scoring system. Utilizing variant allele frequency, disease prevalence and penetrance estimates, and inheritance mode, an automated score was calculated to assess if this variant is too frequent to cause the disease. Based on the score and internal cut-off values, a variant classified as benign is not then subjected to further curation. The score for this variant resulted in a classification of benign for this disease.